The following is an entry in ClinVar:

NM_016592.5(GNAS):c.354_383del (p.Ile119_Glu128del)

Genes: GNAS (GNAS complex locus; plus strand), GNAS-AS1 (GNAS antisense RNA 1; minus strand). Cytogenetic location: 20q13.32.
Variant type: Deletion.
Coding change: c.354_383del on transcript NM_016592.5 (MANE Plus Clinical); coding-DNA positions 354 to 383, 30 bases deleted (AATCGAGTCCGAGACCGACTTCGAGACCGA).
Protein change: p.Ile119_Glu128del.
Molecular consequence: inframe deletion. On other transcripts: 5 prime UTR variant (1).
Genome position (GRCh38, 1-based): chr20:58,840,460-58,840,489, AATCGAGTCCGAGACCGACTTCGAGACCGA deleted; deleting any 30 consecutive bases within chr20:58,840,456-58,840,489 gives the same sequence; the c. name uses the placement nearest the transcript's 3' end. VCF-style (leftmost placement, unchanged base first): chr20-58840455-TCCGAAATCGAGTCCGAGACCGACTTCGAGA-T. GRCh37 (hg19) VCF-style: chr20-57415510-TCCGAAATCGAGTCCGAGACCGACTTCGAGA-T.
Other names: c.-384_-355del (NM_001410912.1).
Identifiers: ClinVar variation 2662210 (VCV002662210.1), dbSNP rs755419386, ClinGen allele CA9926305.
Genomic context (GRCh38, chr20:58,840,455, plus strand): 5'-CTCCCCGAGTGCCTAGAGTACGAGGAAGAGTTCGACTACGAGACCGAGAGCGAGACCGAG[TCCGAAATCGAGTCCGAGACCGACTTCGAGA>T]CCGAGCCTGAGACCGCCCCCACCACTGAGCCCGAGACCGAGCCTGAAGACGATCGCGGCC-3'

ClinVar aggregate classification (germline): Uncertain significance (1 of 4 stars; one submission).

Submission:

GeneDx
Classification: Uncertain significance. Last evaluated: 2023-05-15. Review status: criteria provided, single submitter. Criteria: GeneDx Variant Classification Process June 2021. Collection method: clinical testing. Allele origin: germline. Affected: yes.
Comment: In-frame deletion of 10 amino acids in a non-repeat region; Has not been previously published as pathogenic or benign to our knowledge; Reported using an alternate transcript of the gene